The following is an entry in ClinVar:

ClinVar aggregate classification (germline): Uncertain significance. Review status: criteria provided, multiple submitters, no conflicts (2 of 4 stars). 2 submissions from 2 submitters: Uncertain significance (2). Last evaluated 2026-03-24.

Allele frequency attached by ClinVar (database versions not stated): ExAC 0.00001; gnomAD 0.00009; 1000 Genomes Project 0.00020; TOPMed 0.00011; 1000 Genomes Project 30x 0.00016.
gnomAD v4.1: 234 of 1,613,180 alleles (0.015%); highest among the groups gnomAD compares: Non-Finnish European, 0.019%; no homozygotes.

Submissions (2):

GeneDx
Classification: Uncertain significance. Last evaluated: 2026-03-24. Review status: criteria provided, single submitter. Criteria: GeneDx Variant Classification Process June 2021. Collection method: clinical testing. Allele origin: germline.
Comment: In silico analysis supports that this missense variant has a deleterious effect on protein structure/function; Has not been previously published in association with an LTBP2-related disorder to our knowledge; This variant is associated with the following publications: (PMID: 40429818, 27378147)

Labcorp Genetics (formerly Invitae), Labcorp
Classification: Uncertain significance. Last evaluated: 2021-12-24. Review status: criteria provided, single submitter. Criteria: Invitae Variant Classification Sherloc (09022015). Collection method: clinical testing. Allele origin: germline.
Comment: This sequence change replaces arginine, which is basic and polar, with tryptophan, which is neutral and slightly polar, at codon 1645 of the LTBP2 protein (p.Arg1645Trp). This variant is present in population databases (rs201795355, gnomAD 0.009%). This variant has not been reported in the literature in individuals affected with LTBP2-related conditions. Algorithms developed to predict the effect of missense changes on protein structure and function (SIFT, PolyPhen-2, Align-GVGD) all suggest that this variant is likely to be disruptive. In summary, the available evidence is currently insufficient to determine the role of this variant in disease. Therefore, it has been classified as a Variant of Uncertain Significance.

NM_000428.3(LTBP2):c.4933C>T (p.Arg1645Trp)

Gene: LTBP2 (latent transforming growth factor beta binding protein 2; minus strand). Cytogenetic location: 14q24.3.
Variant type: single nucleotide variant.
Coding change: c.4933C>T on transcript NM_000428.3 (MANE Select); coding-DNA position 4933, C replaced by T.
Protein change: p.Arg1645Trp; replaces arginine 1645 with tryptophan.
Molecular consequence: missense variant.
Genome position (GRCh38, 1-based): chr14:74,502,890, G>A on the plus strand (C>T on the coding strand, the complement: LTBP2 is on the minus strand). VCF-style: chr14-74502890-G-A. GRCh37 (hg19) VCF-style: chr14-74969593-G-A.
Other names: c.4933C>T (NM_000428.2); short protein forms R1645W.
Identifiers: ClinVar variation 2136340 (VCV002136340.2), dbSNP rs201795355, ClinGen allele CA7268575.